The following is an entry in ClinVar:

NM_153717.3(EVC):c.2126_2129dup (p.Glu711fs)

Gene: EVC (EvC ciliary complex subunit 1; plus strand). Cytogenetic location: 4p16.2.
Variant type: Duplication.
Coding change: c.2126_2129dup on transcript NM_153717.3 (MANE Select); coding-DNA positions 2126 to 2129, 4 bases duplicated (GGCT; older notation c.2126_2129dupGGCT).
Protein change: p.Glu711fs; shifts the reading frame from glutamic acid 711.
Molecular consequence: frameshift variant.
Genome position (GRCh38, 1-based): chr4:5,798,614-5,798,617, GGCT duplicated. VCF-style (leftmost placement, unchanged base first): chr4-5798613-C-CGGCT. GRCh37 (hg19) VCF-style: chr4-5800340-C-CGGCT.
Other names: c.2126_2129dup, p.Glu711fs (NM_001306090.2); short protein forms E711fs.
Identifiers: ClinVar variation 2948080 (VCV002948080.3), dbSNP rs779833768, ClinGen allele CA2836397.

ClinVar aggregate classification (germline): Pathogenic (1 of 4 stars; one submission).

Conditions:
Curry-Hall syndrome (WAD). Also called: WEYERS ACRODENTAL DYSOSTOSIS. Identifiers: Orphanet 952, MedGen C0457013, MONDO:0008673, OMIM 193530.
Ellis-van Creveld syndrome (EVC). Also called: EVC-Related Ellis-van Creveld Syndrome; EVC2-Related Ellis-van Creveld Syndrome; MESOECTODERMAL DYSPLASIA; Chondroectodermal dysplasia. Identifiers: Orphanet 289, MedGen C0013903, MONDO:0009162, OMIM 225500.

Allele frequency attached by ClinVar (database versions not stated): gnomAD exomes below 0.00001.

Submission:

Labcorp Genetics (formerly Invitae), Labcorp
Classification: Pathogenic for Curry-Hall syndrome; Ellis-van Creveld syndrome. Last evaluated: 2023-05-22. Review status: criteria provided, single submitter. Criteria: Invitae Variant Classification Sherloc (09022015). Collection method: clinical testing. Allele origin: germline.
Comment: For these reasons, this variant has been classified as Pathogenic. This variant has not been reported in the literature in individuals affected with EVC-related conditions. This variant is present in population databases (rs779833768, gnomAD 0.008%). This sequence change creates a premature translational stop signal (p.Glu711Alafs*57) in the EVC gene. It is expected to result in an absent or disrupted protein product. Loss-of-function variants in EVC are known to be pathogenic (PMID: 23220543).

Literature cited by the submitters: PubMed 23220543.